The following is an entry in ClinVar:

ClinVar aggregate classification (germline): Uncertain significance (1 of 4 stars; one submission).

Conditions:
Hereditary cancer-predisposing syndrome. Also called: Neoplastic Syndromes, Hereditary; Tumor predisposition; Hereditary neoplastic syndrome; Hereditary Cancer Syndrome. Identifiers: Orphanet 140162, MedGen C0027672, MeSH D009386, MONDO:0015356.

Submission:

Ambry Genetics
Classification: Uncertain significance for Hereditary cancer-predisposing syndrome. Last evaluated: 2025-06-12. Review status: criteria provided, single submitter. Criteria: Ambry Variant Classification Scheme 2023. Collection method: clinical testing. Allele origin: germline.
Comment: The p.P357S variant (also known as c.1069C>T), located in coding exon 4 of the ALK gene, results from a C to T substitution at nucleotide position 1069. The proline at codon 357 is replaced by serine, an amino acid with similar properties. This amino acid position is conserved. In addition, this alteration is predicted to be tolerated by in silico analysis. Based on the available evidence, the clinical significance of this variant remains unclear.

NM_004304.5(ALK):c.1069C>T (p.Pro357Ser)

Gene: ALK (ALK receptor tyrosine kinase; minus strand). Cytogenetic location: 2p23.2.
Variant type: single nucleotide variant.
Coding change: c.1069C>T on transcript NM_004304.5 (MANE Select); coding-DNA position 1069, C replaced by T.
Protein change: p.Pro357Ser; replaces proline 357 with serine.
Molecular consequence: missense variant.
Genome position (GRCh38, 1-based): chr2:29,532,000, G>A on the plus strand (C>T on the coding strand, the complement: ALK is on the minus strand). VCF-style: chr2-29532000-G-A. GRCh37 (hg19) VCF-style: chr2-29754866-G-A.
Other names: short protein forms P357S.
Identifiers: ClinVar variation 4041173 (VCV004041173.1).